The following is an entry in ClinVar:

NM_024652.6(LRRK1):c.4054+6G>A

Genes: LRRK1 (leucine rich repeat kinase 1; plus strand), LRRK1-AS1 (LRRK1 antisense RNA 1; minus strand). Cytogenetic location: 15q26.3.
Variant type: single nucleotide variant.
Coding change: c.4054+6G>A on transcript NM_024652.6 (MANE Select); 6 bases into the intron after coding-DNA position 4054, G replaced by A.
Molecular consequence: intron variant.
Genome position (GRCh38, 1-based): chr15:101,053,426, G>A. VCF-style: chr15-101053426-G-A. GRCh37 (hg19) VCF-style: chr15-101593631-G-A.
Other names: c.4054+6G>A (NM_024652.5).
Identifiers: ClinVar variation 1440716 (VCV001440716.32), dbSNP rs370356237, ClinGen allele CA7761729.

ClinVar aggregate classification (germline): Likely benign. Review status: criteria provided, multiple submitters, no conflicts (2 of 4 stars). 3 submissions from 3 submitters: Likely benign (2). 1 of the submissions does not count toward it. Last evaluated 2025-11-13.

Conditions:
LRRK1-related disorder. Also called: LRRK1-related condition.

Allele frequency attached by ClinVar (database versions not stated): gnomAD 0.00094 and 0.00104; TOPMed 0.00096; gnomAD exomes 0.00103 and 0.00108; ESP Exome Variant Server 0.00114; ExAC 0.00180.
gnomAD v4.1: 1,605 of 1,568,586 alleles (0.1%); highest among the groups gnomAD compares: South Asian, 0.13%; 2 homozygotes.

Submissions (3):

Labcorp Genetics (formerly Invitae), Labcorp
Classification: Likely benign. Last evaluated: 2025-11-13. Review status: criteria provided, single submitter. Criteria: Invitae Variant Classification Sherloc (09022015). Collection method: clinical testing. Allele origin: germline.

CeGaT Center for Human Genetics Tuebingen
Classification: Likely benign. Last evaluated: 2023-10-01. Review status: criteria provided, single submitter. Criteria: CeGaT Center For Human Genetics Tuebingen Variant Classification Criteria Version 2. Collection method: clinical testing. Allele origin: germline. Affected: yes. Observed: 3 variant alleles.
Comment: LRRK1: BP4

PreventionGenetics, part of Exact Sciences
Classification: Likely benign for LRRK1-related condition. Last evaluated: 2019-08-13. Review status: no assertion criteria provided. Collection method: clinical testing. Allele origin: germline. Not counted in ClinVar's aggregate classification.
Comment: This variant is classified as likely benign based on ACMG/AMP sequence variant interpretation guidelines (Richards et al. 2015 PMID: 25741868, with internal and published modifications).